The following is an entry in ClinVar:

ClinVar aggregate classification (germline): Pathogenic (1 of 4 stars; one submission).

Conditions:
Multiple congenital exostosis (EXT). Also called: Hereditary multiple osteochondromas; Multiple osteochondromas; Hereditary multiple exostoses; Hereditary multiple exostosis; MULTIPLE CARTILAGINOUS EXOSTOSES; Multiple exostoses. Identifiers: Orphanet 321, MedGen C0015306, MONDO:0005508, HP:0002762.

Submission:

Labcorp Genetics (formerly Invitae), Labcorp
Classification: Pathogenic for Multiple congenital exostosis. Last evaluated: 2020-07-31. Review status: criteria provided, single submitter. Criteria: Invitae Variant Classification Sherloc (09022015). Collection method: clinical testing. Allele origin: germline.
Comment: This variant has been observed in individual(s) with hereditary multiple osteochondromas (Invitae). This variant results in a copy number gain of the genomic region encompassing exons 2-8 of the EXT1 gene. While the exact position of this variant cannot be determined from this data, sub-genic copy number gains are generally in tandem (PMID: 25640679) and may result in an absent or disrupted protein product. For these reasons, this variant has been classified as Pathogenic. Loss-of-function variants in EXT1 are known to be pathogenic (PMID: 10679937, 11391482, 19810120).

Literature cited by the submitters: PubMed 25640679; PubMed 10679937; PubMed 11391482; PubMed 19810120.

NC_000008.11:g.(?_117812852)_(117837221_?)dup

Gene: EXT1 (exostosin glycosyltransferase 1; minus strand). Cytogenetic location: 8q24.11.
Variant type: Duplication.
Identifiers: ClinVar variation 831112 (VCV000831112.7).